The following is an entry in ClinVar:

NM_133497.4(KCNV2):c.1319A>G (p.Asn440Ser)

Gene: KCNV2 (potassium voltage-gated channel modifier subfamily V member 2; plus strand). Cytogenetic location: 9p24.2.
Variant type: single nucleotide variant.
Coding change: c.1319A>G on transcript NM_133497.4 (MANE Select); coding-DNA position 1319, A replaced by G.
Protein change: p.Asn440Ser; replaces asparagine 440 with serine.
Molecular consequence: missense variant.
Genome position (GRCh38, 1-based): chr9:2,719,058, A>G. VCF-style: chr9-2719058-A-G. GRCh37 (hg19) VCF-style: chr9-2719058-A-G.
Other names: short protein forms N440S.
Identifiers: ClinVar variation 849465 (VCV000849465.7), dbSNP rs764587081, ClinGen allele CA372802716.

ClinVar aggregate classification (germline): Uncertain significance (1 of 4 stars; one submission).

Allele frequency attached by ClinVar (database versions not stated): TOPMed below 0.00001; gnomAD 0.00001.
gnomAD v4.1: 7 of 1,612,130 alleles (0.00043%); highest among the groups gnomAD compares: East Asian, 0.0045%; no homozygotes.

Submission:

Labcorp Genetics (formerly Invitae), Labcorp
Classification: Uncertain significance. Last evaluated: 2022-02-04. Review status: criteria provided, single submitter. Criteria: Invitae Variant Classification Sherloc (09022015). Collection method: clinical testing. Allele origin: germline.
Comment: In summary, the available evidence is currently insufficient to determine the role of this variant in disease. Therefore, it has been classified as a Variant of Uncertain Significance. Advanced modeling of protein sequence and biophysical properties (such as structural, functional, and spatial information, amino acid conservation, physicochemical variation, residue mobility, and thermodynamic stability) performed at Invitae indicates that this missense variant is not expected to disrupt KCNV2 protein function. ClinVar contains an entry for this variant (Variation ID: 849465). This variant has not been reported in the literature in individuals affected with KCNV2-related conditions. This variant is present in population databases (no rsID available, gnomAD 0.006%). This sequence change replaces asparagine, which is neutral and polar, with serine, which is neutral and polar, at codon 440 of the KCNV2 protein (p.Asn440Ser).